The following is an entry in ClinVar:

ClinVar aggregate classification (germline): Conflicting classifications of pathogenicity. Review status: criteria provided, conflicting classifications (1 of 4 stars). 8 submissions from 8 submitters: Uncertain significance (4); Likely benign (2). 2 of the submissions do not count toward it. Last evaluated 2025-11-20.

Conditions:
Charcot-Marie-Tooth disease, type I (CMT1). Also called: Charcot-Marie-Tooth disease type 1; Charcot-Marie-Tooth, Type 1. Identifiers: Orphanet 65753, MedGen C0751036, MONDO:0019011.
Amyotrophic neuralgia (HNA). Also called: AMYOTROPHY, HEREDITARY NEURALGIC, WITH PREDILECTION FOR BRACHIAL PLEXUS; Hereditary Brachial Plexus Neuropathy; Neuritis with Brachial Predilection; AMYOTROPHY, HEREDITARY NEURALGIC. Identifiers: Orphanet 2901, MedGen C1834304, MONDO:0008076, OMIM 162100.

Allele frequency attached by ClinVar (database versions not stated): TOPMed 0.00009; gnomAD 0.00010 and 0.00011; gnomAD exomes 0.00013 and 0.00024; ESP Exome Variant Server 0.00016.

Submissions (8):

Labcorp Genetics (formerly Invitae), Labcorp
Classification: Uncertain significance. Last evaluated: 2025-11-20. Review status: criteria provided, single submitter. Criteria: Invitae Variant Classification Sherloc (09022015). Collection method: clinical testing. Allele origin: germline.
Comment: This sequence change replaces valine, which is neutral and non-polar, with alanine, which is neutral and non-polar, at codon 469 of the SEPT9 protein (p.Val469Ala). This variant is present in population databases (rs376712636, gnomAD 0.02%). This missense change has been observed in individual(s) with clinical features of Charcot-Marie-Tooth disease (PMID: 32122354). ClinVar contains an entry for this variant (Variation ID: 812141). Invitae Evidence Modeling of protein sequence and biophysical properties (such as structural, functional, and spatial information, amino acid conservation, physicochemical variation, residue mobility, and thermodynamic stability) indicates that this missense variant is not expected to disrupt SEPT9 protein function with a negative predictive value of 80%. In summary, the available evidence is currently insufficient to determine the role of this variant in disease. Therefore, it has been classified as a Variant of Uncertain Significance.

Women's Health and Genetics/Laboratory Corporation of America, LabCorp
Classification: Uncertain significance. Last evaluated: 2025-06-05. Review status: criteria provided, single submitter. Criteria: LabCorp Variant Classification Summary - May 2015. Collection method: clinical testing. Allele origin: germline.
Comment: Variant summary: SEPTIN9 c.1406T>C (p.Val469Ala) results in a non-conservative amino acid change in the encoded protein sequence. Algorithms developed to predict the effect of missense changes on protein structure and function are either unavailable or do not agree on the potential impact of this missense change. The variant was absent in 248574 control chromosomes. The available data on variant occurrences in the general population are insufficient to allow any conclusion about variant significance. c.1406T>C has been observed in individuals affected with Charcot-Marie-Tooth disease (e.g. Grosse_2020) . These report(s) do not provide unequivocal conclusions about association of the variant with Amyotrophic neuralgia. To our knowledge, no experimental evidence demonstrating an impact on protein function has been reported. The following publication have been ascertained in the context of this evaluation (PMID: 32122354). ClinVar contains an entry for this variant (Variation ID: 812141). Based on the evidence outlined above, the variant was classified as uncertain significance.

Mayo Clinic Laboratories, Mayo Clinic
Classification: Likely benign. Last evaluated: 2024-12-10. Review status: criteria provided, single submitter. Criteria: ACMG Guidelines, 2015. Collection method: clinical testing. Allele origin: germline. Observed: 1 variant allele.
Comment: BS2, BP4_moderate, BP5

GeneDx
Classification: Likely benign. Last evaluated: 2020-12-29. Review status: criteria provided, single submitter. Criteria: GeneDx Variant Classification Process June 2021. Collection method: clinical testing. Allele origin: germline. Affected: yes.
Comment: This variant is associated with the following publications: (PMID: 32122354)

Department of Pathology and Laboratory Medicine, Sinai Health System
Classification: Uncertain significance for Amyotrophic neuralgia. Last evaluated: 2020-08-28. Review status: criteria provided, single submitter. Criteria: ACMG Guidelines, 2015. Collection method: research. Allele origin: germline.

Neuromuscular Department, Hannover Medical School
Classification: Uncertain significance for Charcot-Marie-Tooth disease, type I. Last evaluated: 2019-02-20. Review status: criteria provided, single submitter. Criteria: ACMG Guidelines, 2015. Collection method: clinical testing. Allele origin: germline. Inheritance: Autosomal dominant inheritance. Affected: yes. Observed: 1 heterozygote.

Clinical Genetics, Academic Medical Center
Classification: Uncertain significance. Review status: no assertion criteria provided. Collection method: clinical testing. Allele origin: germline. Affected: yes. Study: VKGL Data-share Consensus. Not counted in ClinVar's aggregate classification.

Joint Genome Diagnostic Labs from Nijmegen and Maastricht, Radboudumc and MUMC+
Classification: Uncertain significance. Review status: no assertion criteria provided. Collection method: clinical testing. Allele origin: germline. Affected: yes. Study: VKGL Data-share Consensus. Not counted in ClinVar's aggregate classification.

Literature cited by the submitters: PubMed 32122354 (cited by 3 submitters).

NM_001113491.2(SEPTIN9):c.1460T>C (p.Val487Ala)

Gene: SEPTIN9 (septin 9; plus strand). Cytogenetic location: 17q25.3.
Variant type: single nucleotide variant.
Coding change: c.1460T>C on transcript NM_001113491.2 (MANE Select); coding-DNA position 1460, T replaced by C.
Protein change: p.Val487Ala; replaces valine 487 with alanine.
Molecular consequence: missense variant.
Genome position (GRCh38, 1-based): chr17:77,492,700, T>C. VCF-style: chr17-77492700-T-C. GRCh37 (hg19) VCF-style: chr17-75488782-T-C.
Other names: p.Val469Ala; c.968T>C, p.Val323Ala (NM_001113492.2, NM_001113494.1); c.1439T>C, p.Val480Ala (NM_001113493.2); c.707T>C, p.Val236Ala (NM_001113495.2, NM_001113496.2, NM_001293697.2 and 1 more transcripts); c.1403T>C, p.Val468Ala (NM_001293695.2); c.788T>C, p.Val263Ala (NM_001293696.2); c.1406T>C, p.Val469Ala (NM_006640.5); short protein forms V236A, V263A, V323A, V468A, V469A, V480A, V487A.
Identifiers: ClinVar variation 812141 (VCV000812141.15), dbSNP rs376712636, ClinGen allele CA8793800.
Genomic context (GRCh38, chr17:77,492,700, plus strand): 5'-CCAACGGCATCGACGTGTACCCCCAGAAGGAATTTGATGAGGACTCGGAGGACCGGCTGG[T>C]GAACGAGAAGTTCCGGGTGAGTGGATCCACTAGGATGTTGTTCCCAGGGGACCCCCAGTT-3'
Protein context (NP_001106963.1, residues 477-497): EFDEDSEDRL[Val487Ala]NEKFREMIPF